The following is an entry in ClinVar:

NM_015629.4(PRPF31):c.238+1_238+7del

Gene: PRPF31 (pre-mRNA processing factor 31; plus strand). Cytogenetic location: 19q13.42.
Variant type: Deletion.
Coding change: c.238+1_238+7del on transcript NM_015629.4 (MANE Select); the canonical splice donor site of the intron after coding-DNA position 238 through 7 bases into the intron after coding-DNA position 238, 7 bases deleted (GTGCTTC; older notation c.238+1_238+7delGTGCTTC).
Molecular consequence: splice donor variant.
Genome position (GRCh38, 1-based): chr19:54,118,634-54,118,640, GTGCTTC deleted. VCF-style (leftmost placement, unchanged base first): chr19-54118633-GGTGCTTC-G. GRCh37 (hg19) VCF-style: chr19-54622013-GGTGCTTC-G.
Identifiers: ClinVar variation 1065713 (VCV001065713.1), dbSNP rs2146394271, ClinGen allele CA2499225589.
Genomic context (GRCh38, chr19:54,118,633, plus strand): 5'-TTTGCTGAGATTATGATGAAGATTGAGGAGTATATCAGCAAGCAAGCCAAAGCTTCAGAA[GGTGCTTC>G]CTCCCACTCTGTGCCCCTCCCCATCTCCTGTCTCTCCTGCCAGGCCCCCTGGCTCCCTGG-3'

ClinVar aggregate classification (germline): Likely pathogenic (1 of 4 stars; one submission).

Conditions:
Retinitis pigmentosa 11 (RP11). Identifiers: Orphanet 791, MedGen C1838601, MONDO:0010828, OMIM 600138.

Submission:

Ocular Genomics Institute, Massachusetts Eye and Ear
Classification: Likely pathogenic for Retinitis pigmentosa 11. Last evaluated: 2021-04-08. Review status: criteria provided, single submitter. Criteria: ACMG Guidelines, 2015. Collection method: research. Allele origin: germline. Affected: yes.
Comment: Through a review of available evidence we were able to apply the following criteria: PM2, PVS1. Based on this evidence we have classified this variant as Likely Pathogenic.